The following is an entry in ClinVar:

NM_031372.4(HNRNPDL):c.650T>G (p.Leu217Trp)

Gene: HNRNPDL (heterogeneous nuclear ribonucleoprotein D like; minus strand). Cytogenetic location: 4q21.22.
Variant type: single nucleotide variant.
Coding change: c.650T>G on transcript NM_031372.4 (MANE Select); coding-DNA position 650, T replaced by G.
Protein change: p.Leu217Trp; replaces leucine 217 with tryptophan.
Molecular consequence: missense variant. On other transcripts: non-coding transcript variant (1).
Genome position (GRCh38, 1-based): chr4:82,428,142, A>C on the plus strand (T>G on the coding strand, the complement: HNRNPDL is on the minus strand). VCF-style: chr4-82428142-A-C. GRCh37 (hg19) VCF-style: chr4-83349295-A-C.
Other names: c.650T>G, p.Leu217Trp (NM_001207000.1); short protein forms L217W.
Identifiers: ClinVar variation 3252635 (VCV003252635.1), dbSNP rs2530017225.

ClinVar aggregate classification (germline): Uncertain significance (1 of 4 stars; one submission).

Submission:

GeneDx
Classification: Uncertain significance. Last evaluated: 2023-10-12. Review status: criteria provided, single submitter. Criteria: GeneDx Variant Classification Process June 2021. Collection method: clinical testing. Allele origin: germline. Affected: yes.
Comment: Has not been previously published as pathogenic or benign to our knowledge; Not observed at significant frequency in large population cohorts (gnomAD); In silico analysis supports that this missense variant has a deleterious effect on protein structure/function